The following is an entry in ClinVar:

ClinVar aggregate classification (germline): Uncertain significance (1 of 4 stars; one submission).

Submission:

GeneDx
Classification: Uncertain significance. Last evaluated: 2014-10-03. Review status: criteria provided, single submitter. Criteria: GeneDx Variant Classification (06012015). Collection method: clinical testing. Allele origin: germline. Affected: yes.
Comment: The c.1710_1715delCAACTC variant has not been published as a mutation, nor has it been reported as a benign polymorphism to our knowledge. The normal sequence with the bases that are deleted in braces is: AGAT{CAACTC}GAGC. The c.1710_1715delCAACTC variant was not observed in approximately 6,500 individuals of European and African American ancestry in the NHLBI Exome Sequencing Project, indicating it is not a common benign variant in these populations. This variant results in an in-frame deletion of three amino acid residues (Isoleucine 570, Asparagine 571, Serine 572) and an insertion of a Methionine residue, denoted p.Ile570_Ser572delinsMet. This variant occurs at a position that is highly conserved in mammalian species. This variant is not predicted to result in protein truncation or nonsense-mediated mRNA decay. Therefore, based on the currently available information, it is unclear whether c.1710_1715delCAACTC is a disease-causing mutation or a rare benign variant. The variant is found in MEN1 panel(s).

NM_001370259.2(MEN1):c.1710_1715del (p.Ile570_Ser572delinsMet)

Gene: MEN1 (menin 1; minus strand). Cytogenetic location: 11q13.1.
Variant type: Deletion.
Coding change: c.1710_1715del on transcript NM_001370259.2 (MANE Select); coding-DNA positions 1710 to 1715, 6 bases deleted (CAACTC; older notation c.1710_1715delCAACTC).
Protein change: p.Ile570_Ser572delinsMet.
Molecular consequence: inframe indel.
Genome position (GRCh38, 1-based): chr11:64,804,452-64,804,457, GAGTTG deleted on the plus strand (CAACTC on the coding strand, the reverse complement: MEN1 is on the minus strand). VCF-style (leftmost placement, unchanged base first): chr11-64804451-CGAGTTG-C. GRCh37 (hg19) VCF-style: chr11-64571923-CGAGTTG-C.
Other names: c.1725_1730del, p.Ile575_Ser577delinsMet (NM_000244.4, NM_130800.3, NM_130801.3 and 3 more transcripts); c.1836_1841del, p.Ile612_Ser614delinsMet (NM_001370251.2); c.1710_1715del, p.Ile570_Ser572delinsMet (NM_001370260.2, NM_001370261.2, NM_130799.3); c.1605_1610del, p.Ile535_Ser537delinsMet (NM_001370262.2, NM_001370263.2); c.1710_1715delCAACTC (NM_130799.2).
Identifiers: ClinVar variation 201004 (VCV000201004.2), dbSNP rs794728646, ClinGen allele CA009289.